The following is an entry in ClinVar:

ClinVar aggregate classification (germline): Uncertain significance (1 of 4 stars; one submission).

Allele frequency attached by ClinVar (database versions not stated): gnomAD exomes 0.00001; ExAC 0.00002.
gnomAD v4.1: 10 of 1,614,044 alleles (0.00062%); highest among the groups gnomAD compares: South Asian, 0.0011%; no homozygotes.

Submission:

Labcorp Genetics (formerly Invitae), Labcorp
Classification: Uncertain significance. Last evaluated: 2024-01-17. Review status: criteria provided, single submitter. Criteria: Invitae Variant Classification Sherloc (09022015). Collection method: clinical testing. Allele origin: germline.
Comment: This sequence change replaces proline, which is neutral and non-polar, with arginine, which is basic and polar, at codon 463 of the KARS protein (p.Pro463Arg). This variant is present in population databases (rs755292539, gnomAD 0.002%). This variant has not been reported in the literature in individuals affected with KARS-related conditions. ClinVar contains an entry for this variant (Variation ID: 1936425). Advanced modeling of protein sequence and biophysical properties (such as structural, functional, and spatial information, amino acid conservation, physicochemical variation, residue mobility, and thermodynamic stability) performed at Invitae indicates that this missense variant is not expected to disrupt KARS protein function with a negative predictive value of 80%. In summary, the available evidence is currently insufficient to determine the role of this variant in disease. Therefore, it has been classified as a Variant of Uncertain Significance.

NM_005548.3(KARS1):c.1304C>G (p.Pro435Arg)

Gene: KARS1 (lysyl-tRNA synthetase 1; minus strand). Cytogenetic location: 16q23.1.
Variant type: single nucleotide variant.
Coding change: c.1304C>G on transcript NM_005548.3 (MANE Select); coding-DNA position 1304, C replaced by G.
Protein change: p.Pro435Arg; replaces proline 435 with arginine.
Molecular consequence: missense variant.
Genome position (GRCh38, 1-based): chr16:75,631,202, G>C on the plus strand (C>G on the coding strand, the complement: KARS1 is on the minus strand). VCF-style: chr16-75631202-G-C. GRCh37 (hg19) VCF-style: chr16-75665100-G-C.
Other names: c.1388C>G, p.Pro463Arg (NM_001130089.2); c.836C>G, p.Pro279Arg (NM_001378148.1); short protein forms P279R, P463R, P435R.
Identifiers: ClinVar variation 1936425 (VCV001936425.5), dbSNP rs755292539, ClinGen allele CA8177312.
Genomic context (GRCh38, chr16:75,631,202, plus strand): 5'-TGTACAAGAAGGCAGGGCCTTCTCACCTTGTCAAGGAGCCTGGCTGTGGTCCGAGGTGGA[G>C]GGCATTCAACAGCTTTTGCCACACAGATATCATCAAGAATTTTGCGAGTTTCTGGGACAC-3'
Protein context (NP_005539.1, residues 425-445): DICVAKAVEC[Pro435Arg]PPRTTARLLD